The following is an entry in ClinVar:

ClinVar aggregate classification (germline): Conflicting classifications of pathogenicity. Review status: criteria provided, conflicting classifications (1 of 4 stars). 19 submissions from 19 submitters: Uncertain significance (9); Benign (1); Likely benign (5). 4 of the submissions do not count toward it. Last evaluated 2026-04-09.

Conditions:
TTN-related disorder. Also called: TTN-related condition; TTN-related disease; TTN-related disorders.
Dilated cardiomyopathy 1G (CMD1G). Identifiers: Orphanet 154, MedGen C1858763, MONDO:0011400, OMIM 604145.
Autosomal recessive limb-girdle muscular dystrophy type 2J (LGMDR10). Also called: Limb-girdle muscular dystrophy, type 2J; MUSCULAR DYSTROPHY, LIMB-GIRDLE, AUTOSOMAL RECESSIVE 10. Identifiers: Orphanet 140922, MedGen C1837342, MONDO:0012127, OMIM 608807.
Early-onset myopathy with fatal cardiomyopathy (CMYO5). Also called: Salih Myopathy; CONGENITAL MYOPATHY 5 WITH CARDIOMYOPATHY. Identifiers: Orphanet 289377, MedGen C2673677, MONDO:0012714, OMIM 611705. Disease mechanism: loss of function.
Hypertrophic cardiomyopathy 9. Also called: Familial hypertrophic cardiomyopathy 9. Identifiers: MedGen C1861065, MONDO:0013412, OMIM 613765.
Tibial muscular dystrophy (TMD). Also called: UDD MYOPATHY; Tibial muscular dystrophy, tardive; Udd Distal Myopathy – Tibial Muscular Dystrophy. Identifiers: Orphanet 609, MedGen C1838244, MONDO:0010870, OMIM 600334.
Myopathy, myofibrillar, 9, with early respiratory failure (MFM9). Also called: Hereditary myopathy with early respiratory failure; MYOPATHY, PROXIMAL, WITH EARLY RESPIRATORY MUSCLE INVOLVEMENT; Myopathy, distal, with early respiratory failure, autosomal dominant; EDSTROM MYOPATHY. Identifiers: Orphanet 178464, Orphanet 34521, MedGen C1863599, MONDO:0011362, OMIM 603689.
Cardiomyopathy (CMYO). Also called: Cardiomyopathies. Identifiers: Orphanet 167848, MedGen C0878544, MONDO:0004994, HP:0001638. Inheritance: Various modes of inheritance.

Allele frequency attached by ClinVar (database versions not stated): gnomAD 0.00010; TOPMed 0.00024; ESP Exome Variant Server 0.00025.
gnomAD v4.1: 231 of 1,613,742 alleles (0.014%); highest among the groups gnomAD compares: Admixed American, 0.093%; 1 homozygote.

Submissions (19):

PreventionGenetics, part of Exact Sciences
Classification: Uncertain significance for TTN-related condition. Last evaluated: 2026-04-09. Review status: criteria provided, single submitter. Criteria: ACMG Guidelines, 2015. Collection method: clinical testing. Allele origin: germline.
Comment: The TTN c.89018G>A variant is predicted to result in the amino acid substitution p.Arg29673Gln. To our knowledge, this variant has not been reported in the literature. This variant is reported in 0.082% of alleles in individuals of Latino descent in gnomAD. Although we suspect that this variant may be benign, at this time, the clinical significance of this variant is uncertain due to the absence of conclusive functional and genetic evidence.

Molecular Diagnostic Laboratory for Inherited Cardiovascular Disease, Montreal Heart Institute
Classification: Likely benign. Last evaluated: 2025-07-24. Review status: criteria provided, single submitter. Criteria: ACMG Guidelines, 2015. Collection method: clinical testing. Allele origin: germline. Affected: no.
Comment: BP1

ARUP Laboratories, Molecular Genetics and Genomics, ARUP Laboratories
Classification: Uncertain significance. Last evaluated: 2025-04-09. Review status: criteria provided, single submitter. Criteria: ARUP Molecular Germline Variant Investigation Process 2024. Collection method: clinical testing. Allele origin: germline.
Comment: The TTN c.89018G>A; p.Arg29673Gln variant is rare in the general population (<0.2% allele frequency in the Genome Aggregation Database) and has not been reported in the medical literature in association with dilated cardiomyopathy (DCM) or other TTN-related disease. The clinical relevance of rare missense variants in this gene, which are identified on average once per individual sequenced in affected populations (Herman 2012), is not well understood. While the clinical significance of such variants is considered uncertain, evidence suggests that the vast majority of missense variants do not contribute to the clinical outcome of DCM (Begay2015). Given the available evidence, the clinical significance of the p.Arg29673Gln variant cannot be determined with certainty.

Women's Health and Genetics/Laboratory Corporation of America, LabCorp
Classification: Likely benign. Last evaluated: 2025-02-17. Review status: criteria provided, single submitter. Criteria: LabCorp Variant Classification Summary - May 2015. Collection method: clinical testing. Allele origin: germline.
Comment: Variant summary: TTN c.81314G>A (p.Arg27105Gln) results in a conservative amino acid change in the encoded protein sequence. Two of four in-silico tools predict a benign effect of the variant on protein function. The variant allele was found at a frequency of 0.00023 in 248486 control chromosomes, predominantly at a frequency of 0.00081 within the Latino subpopulation in the gnomAD database. The observed variant frequency within Latino control individuals in the gnomAD database is approximately 2 fold of the estimated maximal expected allele frequency for a pathogenic variant in TTN causing Autosomal Recessive Titinopathy phenotype (0.00039). c.81314G>A has been reported in the literature in at-least one heterozygous individual who had a sudden unexplained death and in at-least one individual with coronary heart disease (CHD), dilated cardiomyopathy (DCM), or idiopathic ventricular tachycardia (iVT), without strong evidence of causality (example: Campuzano_2015, Guelly_2021). These reports do not provide unequivocal conclusions about association of the variant with Autosomal Recessive Titinopathy or other TTN-related disorders. To our knowledge, no experimental evidence demonstrating an impact on protein function has been reported. The following publications have been ascertained in the context of this evaluation (PMID: 26516846, 33552729). ClinVar contains an entry for this variant (Variation ID: 165761). Based on the evidence outlined above, the variant was classified as likely benign.

Revvity Omics, Revvity
Classification: Uncertain significance. Last evaluated: 2024-12-11. Review status: criteria provided, single submitter. Criteria: ACMG Guidelines, 2015. Collection method: clinical testing. Allele origin: germline.

Athena Diagnostics
Classification: Likely benign. Last evaluated: 2024-12-04. Review status: criteria provided, single submitter. Criteria: Athena Diagnostics Criteria. Collection method: clinical testing. Allele origin: unknown.
Comment: The frequency of this variant in the general population is higher than would generally be expected for pathogenic variants in this gene.

Blueprint Genetics
Classification: Likely benign. Last evaluated: 2024-07-15. Review status: criteria provided, single submitter. Criteria: ACMG Guidelines, 2015. Collection method: clinical testing. Allele origin: germline.

Mayo Clinic Laboratories, Mayo Clinic
Classification: Uncertain significance. Last evaluated: 2024-05-09. Review status: criteria provided, single submitter. Criteria: ACMG Guidelines, 2015. Collection method: clinical testing. Allele origin: germline. Observed: 1 variant allele.

CHEO Genetics Diagnostic Laboratory, Children's Hospital of Eastern Ontario
Classification: Benign for Cardiomyopathy. Last evaluated: 2022-02-16. Review status: criteria provided, single submitter. Criteria: ACMG Guidelines, 2015. Collection method: clinical testing. Allele origin: germline.

GeneDx
Classification: Likely benign. Last evaluated: 2019-06-24. Review status: criteria provided, single submitter. Criteria: GeneDx Variant Classification Process June 2021. Collection method: clinical testing. Allele origin: germline. Affected: yes.

Fulgent Genetics
Classification: Uncertain significance for Tibial muscular dystrophy; Myopathy, myofibrillar, 9, with early respiratory failure; Dilated cardiomyopathy 1G; Autosomal recessive limb-girdle muscular dystrophy type 2J; Early-onset myopathy with fatal cardiomyopathy; Hypertrophic cardiomyopathy 9. Last evaluated: 2018-10-31. Review status: criteria provided, single submitter. Criteria: ACMG Guidelines, 2015. Collection method: clinical testing. Allele origin: unknown.

Eurofins Ntd Llc (ga)
Classification: Uncertain significance. Last evaluated: 2018-02-13. Review status: criteria provided, single submitter. Criteria: EGL ClinVar v180209 classification definitions. Collection method: clinical testing. Allele origin: germline. Observed: 3 variant alleles, 3 heterozygotes.

Labcorp Genetics (formerly Invitae), Labcorp
Classification: Uncertain significance for Dilated cardiomyopathy 1G; Autosomal recessive limb-girdle muscular dystrophy type 2J. Last evaluated: 2017-07-25. Review status: criteria provided, single submitter. Criteria: Invitae Variant Classification Sherloc (09022015). Collection method: clinical testing. Allele origin: germline.

Laboratory for Molecular Medicine, Mass General Brigham Personalized Medicine
Classification: Uncertain significance. Last evaluated: 2014-12-04. Review status: criteria provided, single submitter. Criteria: LMM Criteria. Collection method: clinical testing. Allele origin: germline. Observed: 1 variant allele.
Comment: The p.Arg27105Gln variant in TTN has not been previously reported in individuals with cardiomyopathy, but has been identified in 3/8262 European American chromo somes by the NHLBI Exome Sequencing Project (dbSNP rs200639218). Computational prediction tools and conservation analysis sug gest that this variant may impact the protein, though this information is not pr edictive enough to determine pathogenicity. In summary, the clinical significanc e of the p.Arg27105Gln variant is uncertain.

Biesecker Lab/Clinical Genomics Section, National Institutes of Health
Classification: Uncertain significance. Last evaluated: 2013-06-24. Review status: criteria provided, single submitter. Criteria: Ng et al. (Circ Cardiovasc Genet. 2013). Collection method: research. Allele origin: unknown. Observed: 1 variant allele. Study: ClinSeq.
Comment: The study set was not selected for affection status in relation to any cancer. Pathogenicity categories were based on literature curation. See Pubmed ID:23861362 for details.

Medical sequencing

Clinical Genetics DNA and cytogenetics Diagnostics Lab, Erasmus MC, Erasmus Medical Center
Classification: Uncertain significance. Review status: no assertion criteria provided. Collection method: clinical testing. Allele origin: germline. Affected: yes. Study: VKGL Data-share Consensus. Not counted in ClinVar's aggregate classification.

Clinical Genetics, Academic Medical Center
Classification: Uncertain significance. Review status: no assertion criteria provided. Collection method: clinical testing. Allele origin: germline. Affected: yes. Study: VKGL Data-share Consensus. Not counted in ClinVar's aggregate classification.

Department of Pathology and Laboratory Medicine, Sinai Health System
Classification: Uncertain significance. Review status: no assertion criteria provided. Collection method: clinical testing. Allele origin: unknown. Affected: yes. Study: The Canadian Open Genetics Repository (COGR). Not counted in ClinVar's aggregate classification.
Comment: The TTN p.Arg27105Gln variant was not identified in the literature but was identified in dbSNP (ID: rs200639218) and ClinVar (classified as uncertain signifcance by Invitae, Laboratory for Molecular Medicine, Fulgent Genetics, EGL Genetics and Biesecker Lab/Clinical Genomics Section, National Institutes of Health). The variant was identified in control databases in 60 of 279880 chromosomes at a frequency of 0.0002144 (Genome Aggregation Database March 6, 2019, v2.1.1). The variant was observed in the following populations: Latino in 29 of 35362 chromosomes (freq: 0.00082), Other in 2 of 7114 chromosomes (freq: 0.000281), South Asian in 8 of 30600 chromosomes (freq: 0.000261), European (non-Finnish) in 19 of 127734 chromosomes (freq: 0.000149), Ashkenazi Jewish in 1 of 10334 chromosomes (freq: 0.000097) and East Asian in 1 of 19526 chromosomes (freq: 0.000051), but was not observed in the African or European (Finnish) populations. The p.Arg27105 residue is conserved in mammals and computational analyses (PolyPhen-2, SIFT, AlignGVGD, BLOSUM, MutationTaster) provide inconsistent predictions regarding the impact to the protein; this information is not very predictive of pathogenicity. The variant occurs outside of the splicing consensus sequence and in silico or computational prediction software programs (SpliceSiteFinder, MaxEntScan, NNSPLICE, GeneSplicer) do not predict a difference in splicing. In summary, based on the above information the clinical significance of this variant cannot be determined with certainty at this time. This variant is classified as a variant of uncertain significance.

Laboratory of Diagnostic Genome Analysis, Leiden University Medical Center (LUMC)
Classification: Uncertain significance. Review status: no assertion criteria provided. Collection method: clinical testing. Allele origin: germline. Affected: yes. Study: VKGL Data-share Consensus. Not counted in ClinVar's aggregate classification.

Literature cited by the submitters: PubMed 26516846 (cited by Women's Health and Genetics/Laboratory Corporation of America, LabCorp); PubMed 33552729 (cited by Women's Health and Genetics/Laboratory Corporation of America, LabCorp); PubMed 37926714 (cited by Athena Diagnostics); PubMed 28771489 (cited by Athena Diagnostics).

NM_001267550.2(TTN):c.89018G>A (p.Arg29673Gln)

Genes: TTN-AS1 (TTN antisense RNA 1; plus strand), TTN (titin; minus strand). Cytogenetic location: 2q31.2.
Variant type: single nucleotide variant.
Coding change: c.89018G>A on transcript NM_001267550.2 (MANE Select); coding-DNA position 89018, G replaced by A.
Protein change: p.Arg29673Gln; replaces arginine 29673 with glutamine.
Molecular consequence: missense variant.
Genome position (GRCh38, 1-based): chr2:178,554,093, C>T on the plus strand (G>A on the coding strand, the complement: TTN is on the minus strand). VCF-style: chr2-178554093-C-T. GRCh37 (hg19) VCF-style: chr2-179418820-C-T.
Other names: c.84095G>A, p.Arg28032Gln (NM_001256850.1); c.61823G>A, p.Arg20608Gln (NM_003319.4); c.62198G>A, p.Arg20733Gln (NM_133432.3); c.62399G>A, p.Arg20800Gln (NM_133437.4); c.81314G>A, p.Arg27105Gln (NM_133378.4); c.89018G>A (NM_001267550.1); short protein forms R27105Q, R29673Q, R20733Q, R20608Q, R20800Q, R28032Q.
Identifiers: ClinVar variation 165761 (VCV000165761.32), dbSNP rs200639218, ClinGen allele CA178450.